The following is an entry in ClinVar:

NM_144687.4(NLRP12):c.405G>T (p.Arg135Ser)

Gene: NLRP12 (NLR family pyrin domain containing 12; minus strand). Cytogenetic location: 19q13.42.
Variant type: single nucleotide variant.
Coding change: c.405G>T on transcript NM_144687.4 (MANE Select); coding-DNA position 405, G replaced by T.
Protein change: p.Arg135Ser; replaces arginine 135 with serine.
Molecular consequence: missense variant.
Genome position (GRCh38, 1-based): chr19:53,811,254, C>A on the plus strand (G>T on the coding strand, the complement: NLRP12 is on the minus strand). VCF-style: chr19-53811254-C-A. GRCh37 (hg19) VCF-style: chr19-54314508-C-A.
Other names: c.405G>T, p.Arg135Ser (NM_001277126.2, NM_001277129.1); short protein forms R135S.
Identifiers: ClinVar variation 2859054 (VCV002859054.3), dbSNP rs868553934, ClinGen allele CA407417094.

ClinVar aggregate classification (germline): Uncertain significance (1 of 4 stars; one submission).

Conditions:
Familial cold autoinflammatory syndrome 2 (FCAS2). Identifiers: Orphanet 247868, MedGen C2673198, MONDO:0012724, OMIM 611762.

Submission:

Labcorp Genetics (formerly Invitae), Labcorp
Classification: Uncertain significance for Familial cold autoinflammatory syndrome 2. Last evaluated: 2023-07-30. Review status: criteria provided, single submitter. Criteria: Invitae Variant Classification Sherloc (09022015). Collection method: clinical testing. Allele origin: germline.
Comment: In summary, the available evidence is currently insufficient to determine the role of this variant in disease. Therefore, it has been classified as a Variant of Uncertain Significance. An algorithm developed to predict the effect of missense changes on protein structure and function (PolyPhen-2) suggests that this variant is likely to be disruptive. This variant has not been reported in the literature in individuals affected with NLRP12-related conditions. This variant is not present in population databases (gnomAD no frequency). This sequence change replaces arginine, which is basic and polar, with serine, which is neutral and polar, at codon 135 of the NLRP12 protein (p.Arg135Ser).